The following is an entry in ClinVar:

NM_001367624.2(ZNF469):c.7831G>A (p.Glu2611Lys)

Gene: ZNF469 (zinc finger protein 469; plus strand). Cytogenetic location: 16q24.2.
Variant type: single nucleotide variant.
Coding change: c.7831G>A on transcript NM_001367624.2 (MANE Select); coding-DNA position 7831, G replaced by A.
Protein change: p.Glu2611Lys; replaces glutamic acid 2611 with lysine.
Molecular consequence: missense variant.
Genome position (GRCh38, 1-based): chr16:88,435,301, G>A. VCF-style: chr16-88435301-G-A. GRCh37 (hg19) VCF-style: chr16-88501709-G-A.
Other names: NM_001127464.1:c.7747G>A; short protein forms E2611K.
Identifiers: ClinVar variation 126945 (VCV000126945.50), dbSNP rs281865151, ClinGen allele CA151329.

ClinVar aggregate classification (germline): Conflicting classifications of pathogenicity. Review status: criteria provided, conflicting classifications (1 of 4 stars). 6 submissions from 6 submitters: Uncertain significance (4); Benign (1). 1 of the submissions does not count toward it. Last evaluated 2025-04-04.

Conditions:
Cardiovascular phenotype. Identifiers: MedGen CN230736.
Keratoconus 1 (KTCN1). Identifiers: MedGen C1835677, MONDO:0007851, OMIM 148300.
Brittle cornea syndrome 1 (BCS1). Also called: FRAGILITAS OCULI WITH JOINT HYPEREXTENSIBILITY; DYSGENESIS MESODERMALIS CORNEAE ET SCLERAE; Corneal fragility keratoglobus, blue sclerae AND joint hypermobility; CORNEAL FRAGILITY, KERATOGLOBUS, BLUE SCLERAE, JOINT HYPEREXTENSIBILITY; EDS6B. Identifiers: Orphanet 90354, MedGen C0268344, MONDO:0024543, OMIM 229200.

Allele frequency attached by ClinVar (database versions not stated): gnomAD 0.00006; gnomAD exomes 0.00010 and 0.00013; ExAC 0.00011; TOPMed 0.00013; 1000 Genomes Project 30x 0.00016; 1000 Genomes Project 0.00020.
gnomAD v4.1: 152 of 1,550,374 alleles (0.0098%); highest among the groups gnomAD compares: Middle Eastern, 0.033%; no homozygotes.

Submissions (6):

Ambry Genetics
Classification: Benign for Cardiovascular phenotype. Last evaluated: 2025-04-04. Review status: criteria provided, single submitter. Criteria: Ambry Variant Classification Scheme 2023. Collection method: clinical testing. Allele origin: germline.

Labcorp Genetics (formerly Invitae), Labcorp
Classification: Uncertain significance. Last evaluated: 2025-01-14. Review status: criteria provided, single submitter. Criteria: Invitae Variant Classification Sherloc (09022015). Collection method: clinical testing. Allele origin: germline.
Comment: This sequence change replaces glutamic acid, which is acidic and polar, with lysine, which is basic and polar, at codon 2583 of the ZNF469 protein (p.Glu2583Lys). This variant is present in population databases (rs281865151, gnomAD 0.02%). This missense change has been observed in individual(s) with keratoconus (PMID: 24895405). ClinVar contains an entry for this variant (Variation ID: 126945). An algorithm developed to predict the effect of missense changes on protein structure and function (PolyPhen-2) suggests that this variant¬†is likely to be tolerated. In summary, the available evidence is currently insufficient to determine the role of this variant in disease. Therefore, it has been classified as a Variant of Uncertain Significance.

GeneDx
Classification: Uncertain significance. Last evaluated: 2023-10-17. Review status: criteria provided, single submitter. Criteria: GeneDx Variant Classification Process June 2021. Collection method: clinical testing. Allele origin: germline. Affected: yes.
Comment: Identified in an individual from a cohort of patients with keratoconus (PMID: 24895405); In silico analysis is inconclusive as to whether the variant alters gene splicing. In the absence of RNA/functional studies, the actual effect of this sequence change is unknown.; In silico analysis supports that this missense variant does not alter protein structure/function; This variant is associated with the following publications: (PMID: 24895405)

Department of Pathology and Laboratory Medicine, Sinai Health System
Classification: Uncertain significance for Brittle cornea syndrome 1. Last evaluated: 2021-11-23. Review status: criteria provided, single submitter. Criteria: ACMG Guidelines, 2015. Collection method: research. Allele origin: germline.

CeGaT Center for Human Genetics Tuebingen
Classification: Uncertain significance. Last evaluated: 2016-10-01. Review status: criteria provided, single submitter. Criteria: CeGaT Center For Human Genetics Tuebingen Variant Classification Criteria Version 2. Collection method: clinical testing. Allele origin: germline. Affected: yes. Observed: 1 variant allele.

Willoughby Group, Queen's University Belfast
Classification: Likely pathogenic for Keratoconus 1. Review status: no assertion criteria provided. Collection method: not provided. Allele origin: germline. Not counted in ClinVar's aggregate classification.
ClinVar note: Converted during submission from probable-pathogenic to Likely pathogenic.

Literature cited by the submitters: PubMed 24895405 (cited by Ambry Genetics and Labcorp Genetics (formerly Invitae), Labcorp).